The following is an entry in ClinVar:

NM_004380.3(CREBBP):c.4708G>A (p.Ala1570Thr)

Gene: CREBBP (CREB binding lysine acetyltransferase; minus strand). Cytogenetic location: 16p13.3.
Variant type: single nucleotide variant.
Coding change: c.4708G>A on transcript NM_004380.3 (MANE Select); coding-DNA position 4708, G replaced by A.
Protein change: p.Ala1570Thr; replaces alanine 1570 with threonine.
Molecular consequence: missense variant.
Genome position (GRCh38, 1-based): chr16:3,736,056, C>T on the plus strand (G>A on the coding strand, the complement: CREBBP is on the minus strand). VCF-style: chr16-3736056-C-T. GRCh37 (hg19) VCF-style: chr16-3786057-C-T.
Other names: c.4594G>A, p.Ala1532Thr (NM_001079846.1); short protein forms A1532T, A1570T.
Identifiers: ClinVar variation 3351353 (VCV003351353.1).

ClinVar aggregate classification (germline): Uncertain significance (0 of 4 stars; one submission).

Conditions:
CREBBP-related disorder. Also called: CREBBP-related condition; CREBBP-related disorders.

gnomAD v4.1: 2 of 1,614,158 alleles (0.00012%); highest among the groups gnomAD compares: Admixed American, 0.0033%; no homozygotes.

Submission:

PreventionGenetics, part of Exact Sciences
Classification: Uncertain significance for CREBBP-related condition. Last evaluated: 2024-05-20. Review status: no assertion criteria provided. Collection method: clinical testing. Allele origin: germline.
Comment: The CREBBP c.4708G>A variant is predicted to result in the amino acid substitution p.Ala1570Thr. To our knowledge, this variant has not been reported in the literature. This variant is reported in 0.0029% of alleles in individuals of Latino descent in gnomAD. At this time, the clinical significance of this variant is uncertain due to the absence of conclusive functional and genetic evidence.